The following is an entry in ClinVar:

ClinVar aggregate classification (germline): Pathogenic (1 of 4 stars; one submission).

Submission:

Labcorp Genetics (formerly Invitae), Labcorp
Classification: Pathogenic. Last evaluated: 2018-12-13. Review status: criteria provided, single submitter. Criteria: Invitae Variant Classification Sherloc (09022015). Collection method: clinical testing. Allele origin: germline.
Comment: This sequence change creates a premature translational stop signal (p.Pro27Leufs*5) in the C6orf25 gene. It is expected to result in an absent or disrupted protein product. This variant is not present in population databases (ExAC no frequency). This variant has not been reported in the literature in individuals with C6orf25-related conditions. Loss-of-function variants in C6orf25 are known to be pathogenic (PMID: 23112346, 27743390). For these reasons, this variant has been classified as Pathogenic.

Literature cited by the submitters: PubMed 23112346; PubMed 27743390.

NM_138272.3(MPIG6B):c.80del (p.Pro27fs)

Gene: MPIG6B (megakaryocyte and platelet inhibitory receptor G6b; plus strand). Cytogenetic location: 6p21.33.
Variant type: Deletion.
Coding change: c.80del on transcript NM_138272.3 (MANE Select); coding-DNA position 80, one base deleted (C; older notation c.80delC).
Protein change: p.Pro27fs; shifts the reading frame from proline 27.
Molecular consequence: frameshift variant.
Genome position (GRCh38, 1-based): chr6:31,723,657, C deleted; the last of 3 consecutive C bases (chr6:31,723,655-31,723,657); deleting any one gives the same sequence. VCF-style (leftmost placement, unchanged base first): chr6-31723654-GC-G. GRCh37 (hg19) VCF-style: chr6-31691431-GC-G.
Other names: c.80del, p.Pro27fs (NM_025260.4, NM_138273.3, NM_138274.3 and 2 more transcripts); short protein forms P27fs.
Identifiers: ClinVar variation 643352 (VCV000643352.7), dbSNP rs1583819935, ClinGen allele CA915944176.